The following is an entry in ClinVar:

ClinVar aggregate classification (germline): Uncertain significance (1 of 4 stars; one submission).

gnomAD v4.1: 17 of 1,208,526 alleles (0.0014%); highest among the groups gnomAD compares: Admixed American, 0.0044%; no homozygotes.

Submission:

Ambry Genetics
Classification: Uncertain significance. Last evaluated: 2025-12-15. Review status: criteria provided, single submitter. Criteria: Ambry Variant Classification Scheme 2023. Collection method: clinical testing. Allele origin: germline.
Comment: The c.3431A>C (p.E1144A) alteration is located in exon 21 (coding exon 21) of the HEPH gene. This alteration results from a A to C substitution at nucleotide position 3431, causing the glutamic acid (E) at amino acid position 1144 to be replaced by an alanine (A). Based on data from gnomAD, the C allele has an overall frequency of 0.002% (3/182375) total alleles studied. The highest observed frequency was 0.007% (2/27349) of Latino alleles. Based on insufficient or conflicting evidence, the clinical significance of this alteration remains unclear.

NM_001367233.3(HEPH):c.3269A>C (p.Glu1090Ala)

Gene: HEPH (hephaestin; plus strand). Cytogenetic location: Xq12.
Variant type: single nucleotide variant.
Coding change: c.3269A>C on transcript NM_001367233.3 (MANE Select); coding-DNA position 3269, A replaced by C.
Protein change: p.Glu1090Ala; replaces glutamic acid 1090 with alanine.
Molecular consequence: missense variant. On other transcripts: non-coding transcript variant (3).
Genome position (GRCh38, 1-based): chrX:66,266,464, A>C. VCF-style: chrX-66266464-A-C. GRCh37 (hg19) VCF-style: chrX-65486306-A-C.
Other names: c.3266A>C, p.Glu1089Ala (NM_001130860.6); c.2693A>C, p.Glu898Ala (NM_001282141.3); c.3269A>C, p.Glu1090Ala (NM_001367232.3, NM_001367234.3, NM_138737.6); c.3263A>C, p.Glu1088Ala (NM_001367236.3); c.3056A>C, p.Glu1019Ala (NM_001367238.3); c.3053A>C, p.Glu1018Ala (NM_001367239.3); c.2936A>C, p.Glu979Ala (NM_001367240.3); c.2933A>C, p.Glu978Ala (NM_001367241.3); and 2 more; short protein forms E1018A, E1019A, E787A, E823A, E898A, E1088A, E1089A, E1090A.
Identifiers: ClinVar variation 4830836 (VCV004830836.1).